The following is an entry in ClinVar:

ClinVar aggregate classification (germline): Benign/Likely benign. Review status: criteria provided, multiple submitters, no conflicts (2 of 4 stars). 5 submissions from 2 submitters: Benign (4); Likely benign (1). Last evaluated 2023-01-01.

Conditions:
Neurofibromatosis-Noonan syndrome (NFNS). Also called: NEUROFIBROMATOSIS WITH NOONAN PHENOTYPE. Identifiers: Orphanet 638, MedGen C2931482, MONDO:0011035, OMIM 601321. Disease mechanism: loss of function.
Neurofibromatosis, familial spinal (FSNF). Identifiers: Orphanet 636, MedGen C1834235, MONDO:0008078, OMIM 162210. Disease mechanism: loss of function.
Café-au-lait macules with pulmonary stenosis (WTSN). Also called: PULMONIC STENOSIS WITH CAFE-AU-LAIT SPOTS. Identifiers: MedGen C0553586, MONDO:0008672, OMIM 193520.
Neurofibromatosis, type 1 (NF1). Also called: Neurofibromatosis, type I; VON RECKLINGHAUSEN DISEASE; Peripheral type neurofibromatosis; NEUROFIBROMATOSIS, TYPE I, SOMATIC. Identifiers: Orphanet 636, MedGen C0027831, MONDO:0018975, OMIM 162200. Disease mechanism: loss of function.

Allele frequency attached by ClinVar (database versions not stated): TOPMed 0.00043; 1000 Genomes Project 0.00100; 1000 Genomes Project 30x 0.00125.
gnomAD v4.1: 131 of 234,234 alleles (0.056%); highest among the groups gnomAD compares: Admixed American, 0.24%; no homozygotes.

Submissions (5):

CeGaT Center for Human Genetics Tuebingen
Classification: Likely benign. Last evaluated: 2023-01-01. Review status: criteria provided, single submitter. Criteria: CeGaT Center For Human Genetics Tuebingen Variant Classification Criteria Version 2. Collection method: clinical testing. Allele origin: germline. Affected: yes. Observed: 1 variant allele.
Comment: NF1: BS1

Illumina Laboratory Services, Illumina
Classification: Benign for Neurofibromatosis, type 1. Last evaluated: 2018-01-13. Review status: criteria provided, single submitter. Criteria: ICSL Variant Classification Criteria 13 December 2019. Collection method: clinical testing. Allele origin: germline.
Comment: This variant was observed in the ICSL laboratory as part of a predisposition screen in an ostensibly healthy population. It had not been previously curated by ICSL or reported in the Human Gene Mutation Database (HGMD: prior to June 1st, 2018), and was therefore a candidate for classification through an automated scoring system. Utilizing variant allele frequency, disease prevalence and penetrance estimates, and inheritance mode, an automated score was calculated to assess if this variant is too frequent to cause the disease. Based on the score and internal cut-off values, a variant classified as benign is not then subjected to further curation. The score for this variant resulted in a classification of benign for this disease.

Illumina Laboratory Services, Illumina
Classification: Benign for Café-au-lait macules with pulmonary stenosis. Last evaluated: 2018-01-13. Review status: criteria provided, single submitter. Criteria: ICSL Variant Classification Criteria 13 December 2019. Collection method: clinical testing. Allele origin: germline.
Comment: the same text as in the submission from Illumina Laboratory Services, Illumina above.

Illumina Laboratory Services, Illumina
Classification: Benign for Neurofibromatosis, familial spinal. Last evaluated: 2018-01-13. Review status: criteria provided, single submitter. Criteria: ICSL Variant Classification Criteria 13 December 2019. Collection method: clinical testing. Allele origin: germline.
Comment: the same text as in the submission from Illumina Laboratory Services, Illumina above.

Illumina Laboratory Services, Illumina
Classification: Benign for Neurofibromatosis-Noonan syndrome. Last evaluated: 2018-01-13. Review status: criteria provided, single submitter. Criteria: ICSL Variant Classification Criteria 13 December 2019. Collection method: clinical testing. Allele origin: germline.
Comment: the same text as in the submission from Illumina Laboratory Services, Illumina above.

NM_001042492.3(NF1):c.*585G>T

Gene: NF1 (neurofibromin 1; plus strand). Cytogenetic location: 17q11.2.
Variant type: single nucleotide variant.
Coding change: c.*585G>T on transcript NM_001042492.3 (MANE Select); 585 bases downstream of the stop codon, G replaced by T.
Molecular consequence: 3 prime UTR variant.
Genome position (GRCh38, 1-based): chr17:31,374,740, G>T. VCF-style: chr17-31374740-G-T. GRCh37 (hg19) VCF-style: chr17-29701758-G-T.
Other names: c.*585G>T (NM_000267.4).
Identifiers: ClinVar variation 889206 (VCV000889206.28), dbSNP rs372804411, ClinGen allele CA289712567.